The following is an entry in ClinVar:

NM_000179.3(MSH6):c.3457A>G (p.Met1153Val)

Gene: MSH6 (mutS homolog 6; plus strand). Cytogenetic location: 2p16.3.
Variant type: single nucleotide variant.
Coding change: c.3457A>G on transcript NM_000179.3 (MANE Select); coding-DNA position 3457, A replaced by G.
Protein change: p.Met1153Val; replaces methionine 1153 with valine.
Molecular consequence: missense variant.
Genome position (GRCh38, 1-based): chr2:47,804,928, A>G. VCF-style: chr2-47804928-A-G. GRCh37 (hg19) VCF-style: chr2-48032067-A-G.
Other names: c.3067A>G, p.Met1023Val (NM_001281492.2); c.2551A>G, p.Met851Val (NM_001281493.2, NM_001281494.2, NM_001406811.1 and 6 more transcripts); c.3553A>G, p.Met1185Val (NM_001406795.1, NM_001406802.1); c.3457A>G, p.Met1153Val (NM_001406796.1, NM_001406800.1, NM_001406808.1 and 1 more transcripts); c.3160A>G, p.Met1054Val (NM_001406797.1, NM_001406801.1, NM_001406805.1 and 10 more transcripts); c.3283A>G, p.Met1095Val (NM_001406798.1); c.2932A>G, p.Met978Val (NM_001406799.1, NM_001406806.1, NM_001406807.1); c.2593A>G, p.Met865Val (NM_001406803.1); and 7 more; short protein forms M978V, M1023V, M1054V, M1127V, M1155V, M865V, M102V, M1095V.
Identifiers: ClinVar variation 1731599 (VCV001731599.4), dbSNP rs2104504614, ClinGen allele CA346760021.

ClinVar aggregate classification (germline): Uncertain significance. Review status: criteria provided, multiple submitters, no conflicts (2 of 4 stars). 2 submissions from 2 submitters: Uncertain significance (2). Last evaluated 2024-06-19.

Conditions:
Hereditary nonpolyposis colorectal neoplasms. Identifiers: MedGen C0009405, MeSH D003123.
Hereditary cancer-predisposing syndrome. Also called: Neoplastic Syndromes, Hereditary; Tumor predisposition; Hereditary Cancer Syndrome; Hereditary neoplastic syndrome. Identifiers: Orphanet 140162, MedGen C0027672, MeSH D009386, MONDO:0015356.

Allele frequency attached by ClinVar (database versions not stated): gnomAD exomes below 0.00001.

Submissions (2):

Labcorp Genetics (formerly Invitae), Labcorp
Classification: Uncertain significance for Hereditary nonpolyposis colorectal neoplasms. Last evaluated: 2024-06-19. Review status: criteria provided, single submitter. Criteria: Invitae Variant Classification Sherloc (09022015). Collection method: clinical testing. Allele origin: germline.
Comment: This sequence change replaces methionine, which is neutral and non-polar, with valine, which is neutral and non-polar, at codon 1153 of the MSH6 protein (p.Met1153Val). This variant is not present in population databases (gnomAD no frequency). This variant has not been reported in the literature in individuals affected with MSH6-related conditions. ClinVar contains an entry for this variant (Variation ID: 1731599). Advanced modeling of protein sequence and biophysical properties (such as structural, functional, and spatial information, amino acid conservation, physicochemical variation, residue mobility, and thermodynamic stability) performed at Invitae indicates that this missense variant is not expected to disrupt MSH6 protein function with a negative predictive value of 95%. In summary, the available evidence is currently insufficient to determine the role of this variant in disease. Therefore, it has been classified as a Variant of Uncertain Significance.

Ambry Genetics
Classification: Uncertain significance for Hereditary cancer-predisposing syndrome. Last evaluated: 2022-09-24. Review status: criteria provided, single submitter. Criteria: Ambry Variant Classification Scheme 2023. Collection method: clinical testing. Allele origin: germline.
Comment: The p.M1153V variant (also known as c.3457A>G), located in coding exon 6 of the MSH6 gene, results from an A to G substitution at nucleotide position 3457. The methionine at codon 1153 is replaced by valine, an amino acid with highly similar properties. This amino acid position is conserved. In addition, the in silico prediction for this alteration is inconclusive. Since supporting evidence is limited at this time, the clinical significance of this alteration remains unclear.